The following is an entry in ClinVar:

NM_003105.6(SORL1):c.2395C>T (p.His799Tyr)

Genes: SORL1 (sortilin related receptor 1; plus strand), LOC114803469 (SORL1 eExon liver enhancer; plus strand). Cytogenetic location: 11q24.1.
Variant type: single nucleotide variant.
Coding change: c.2395C>T on transcript NM_003105.6 (MANE Select); coding-DNA position 2395, C replaced by T.
Protein change: p.His799Tyr; replaces histidine 799 with tyrosine.
Molecular consequence: missense variant.
Genome position (GRCh38, 1-based): chr11:121,554,065, C>T. VCF-style: chr11-121554065-C-T. GRCh37 (hg19) VCF-style: chr11-121424774-C-T.
Other names: short protein forms H799Y.
Identifiers: ClinVar variation 2272445 (VCV002272445.3), dbSNP rs776095092, ClinGen allele CA6328922.
Genomic context (GRCh38, chr11:121,554,065, plus strand): 5'-ACCGAGCAGTTGCCTCTCACCGGGCTACGGGCAGCAGTGGCCCTGGACTTTGACTATGAG[C>T]ACAACTGTTTGTATTGGTCCGACCTGGCCTTGGACGTCATCCAGGTGAGTCAGCGCTTGG-3'
Protein context (NP_003096.2, residues 789-809): AAVALDFDYE[His799Tyr]NCLYWSDLAL

ClinVar aggregate classification (germline): Uncertain significance. Review status: criteria provided, multiple submitters, no conflicts (2 of 4 stars). 2 submissions from 2 submitters: Uncertain significance (2). Last evaluated 2023-10-22.

Allele frequency attached by ClinVar (database versions not stated): TOPMed 0.00003; ExAC 0.00004; gnomAD 0.00005.
gnomAD v4.1: 25 of 1,614,054 alleles (0.0015%); highest among the groups gnomAD compares: Non-Finnish European, 0.0021%; no homozygotes.

Submissions (2):

Labcorp Genetics (formerly Invitae), Labcorp
Classification: Uncertain significance. Last evaluated: 2023-10-22. Review status: criteria provided, single submitter. Criteria: Invitae Variant Classification Sherloc (09022015). Collection method: clinical testing. Allele origin: germline.
Comment: This sequence change replaces histidine, which is basic and polar, with tyrosine, which is neutral and polar, at codon 799 of the SORL1 protein (p.His799Tyr). This variant is present in population databases (rs776095092, gnomAD 0.006%). This variant has not been reported in the literature in individuals affected with SORL1-related conditions. ClinVar contains an entry for this variant (Variation ID: 2272445). An algorithm developed to predict the effect of missense changes on protein structure and function (PolyPhen-2) suggests that this variant¬†is likely to be tolerated. In summary, the available evidence is currently insufficient to determine the role of this variant in disease. Therefore, it has been classified as a Variant of Uncertain Significance.

Ambry Genetics
Classification: Uncertain significance. Last evaluated: 2022-01-19. Review status: criteria provided, single submitter. Criteria: Ambry Variant Classification Scheme 2023. Collection method: clinical testing. Allele origin: germline.